The following is an entry in ClinVar:

ClinVar aggregate classification (germline): Likely pathogenic. Review status: reviewed by expert panel (3 of 4 stars). 2 submissions from 2 submitters: Likely pathogenic (1). 1 of the submissions does not count toward it. Last evaluated 2024-02-20.

Conditions:
Glanzmann thrombasthenia. Also called: Glanzmann's thrombasthenia; PLATELET GLYCOPROTEIN IIb-IIIa DEFICIENCY; BLEEDING DISORDER, PLATELET-TYPE, 2; THROMBASTHENIA OF GLANZMANN AND NAEGELI; Thrombasthenia. Identifiers: Orphanet 849, MedGen C0040015, MONDO:0100326.

Submissions (2):

ClinGen Platelet Disorders Variant Curation Expert Panel, ClinGen
Classification: Likely pathogenic for Glanzmann thrombasthenia. Last evaluated: 2024-02-20. Review status: reviewed by expert panel. Criteria: ClinGen Platelet ACMG Specifications v2-1. Collection method: curation. Allele origin: germline. Inheritance: Autosomal recessive inheritance.
Comment: The c.601G>A (p.Gly201Ser) variant on the ITGA2B gene is a missense variant which is absent from large population cohorts, including gnomADv4.0 (PM2_supporting). This variant has been reported in at least 2 unrelated probands in the homozygous state (PM3), who meet the diagnostic criteria for GT. Both probands meet criteria for PP4_Strong which includes a history of significant mucocutaneous bleeding, absent platelet aggregation with three physiological agonists (and normal with ristocetin). Flow cytometry demonstrated reduced (<5%) surface expression of αIIbβ3. In silico tools (REVEL score = 0.899) predict a deleterious effect on gene function (PP3). In summary, this variant meets criteria for PP4_strong, PM3, PM2_supporting and PP3; and is therefore classified as likely pathogenic for GT.

Labcorp Genetics (formerly Invitae), Labcorp
Classification: Pathogenic for Glanzmann thrombasthenia. Last evaluated: 2025-04-11. Review status: criteria provided, single submitter. Criteria: Invitae Variant Classification Sherloc (09022015). Collection method: clinical testing. Allele origin: germline. Not counted in ClinVar's aggregate classification.
Comment: This sequence change replaces glycine, which is neutral and non-polar, with serine, which is neutral and polar, at codon 201 of the ITGA2B protein (p.Gly201Ser). This variant is not present in population databases (gnomAD no frequency). This missense change has been observed in individuals with autosomal recessive Glanzmann's thrombasthenia (PMID: 25728920; internal data). ClinVar contains an entry for this variant (Variation ID: 996156). Invitae Evidence Modeling of protein sequence and biophysical properties (such as structural, functional, and spatial information, amino acid conservation, physicochemical variation, residue mobility, and thermodynamic stability) indicates that this missense variant is expected to disrupt ITGA2B protein function with a positive predictive value of 95%. For these reasons, this variant has been classified as Pathogenic.

Literature cited by the submitters: PubMed 25728920 (cited by Labcorp Genetics (formerly Invitae), Labcorp).

NM_000419.5(ITGA2B):c.601G>A (p.Gly201Ser)

Gene: ITGA2B (integrin subunit alpha 2b; minus strand). Cytogenetic location: 17q21.31.
Variant type: single nucleotide variant.
Coding change: c.601G>A on transcript NM_000419.5 (MANE Select); coding-DNA position 601, G replaced by A.
Protein change: p.Gly201Ser; replaces glycine 201 with serine.
Molecular consequence: missense variant.
Genome position (GRCh38, 1-based): chr17:44,385,309, C>T on the plus strand (G>A on the coding strand, the complement: ITGA2B is on the minus strand). VCF-style: chr17-44385309-C-T. GRCh37 (hg19) VCF-style: chr17-42462677-C-T.
Other names: short protein forms G201S.
Identifiers: ClinVar variation 996156 (VCV000996156.4), dbSNP rs2048635741, ClinGen allele CA399805612.
Genomic context (GRCh38, chr17:44,385,309, plus strand): 5'-GGGAGCCGCCCCCACTGCGCTTTTGCTCCCTACTCGCCTGAGTGACCACGGAGCTGAAGC[C>T]CGCTTCACAGTAACGCTTGTCCCAGCCTGCAGGAGACAAGGAGGAGGGGTCAGCGCAGGG-3'
Protein context (NP_000410.2, residues 191-211): FSWDKRYCEA[Gly201Ser]FSSVVTQAGE